The following is an entry in ClinVar:

ClinVar aggregate classification (germline): Uncertain significance (1 of 4 stars; one submission).

Conditions:
Emery-Dreifuss muscular dystrophy 4, autosomal dominant (EDMD4). Also called: EMERY-DREIFUSS MUSCULAR DYSTROPHY 4 WITH VARIABLE FEATURES. Identifiers: Orphanet 261, MedGen C2751807, MONDO:0013071, OMIM 612998.
Autosomal recessive ataxia, Beauce type. Also called: SYNE1-Related Autosomal Recessive Cerebellar Ataxia; Spinocerebellar ataxia, autosomal recessive 8; ATAXIA, RECESSIVE, OF BEAUCE; SYNE1 Deficiency. Identifiers: Orphanet 88644, MedGen C1853116, MONDO:0012549, OMIM 610743.

Allele frequency attached by ClinVar (database versions not stated): gnomAD below 0.00001 and 0.00003; gnomAD exomes 0.00006 and 0.00015; ExAC 0.00016; 1000 Genomes Project 30x 0.00031; 1000 Genomes Project 0.00040.
gnomAD v4.1: 86 of 1,614,180 alleles (0.0053%); highest among the groups gnomAD compares: South Asian, 0.091%; 1 homozygote.

Submission:

Labcorp Genetics (formerly Invitae), Labcorp
Classification: Uncertain significance for Emery-Dreifuss muscular dystrophy 4, autosomal dominant; Autosomal recessive ataxia, Beauce type. Last evaluated: 2024-10-03. Review status: criteria provided, single submitter. Criteria: Invitae Variant Classification Sherloc (09022015). Collection method: clinical testing. Allele origin: germline.
Comment: This sequence change replaces alanine, which is neutral and non-polar, with aspartic acid, which is acidic and polar, at codon 2970 of the SYNE1 protein (p.Ala2970Asp). This variant is present in population databases (rs570962334, gnomAD 0.1%). This variant has not been reported in the literature in individuals affected with SYNE1-related conditions. ClinVar contains an entry for this variant (Variation ID: 471058). An algorithm developed to predict the effect of missense changes on protein structure and function (PolyPhen-2) suggests that this variant is likely to be disruptive. In summary, the available evidence is currently insufficient to determine the role of this variant in disease. Therefore, it has been classified as a Variant of Uncertain Significance.

NM_182961.4(SYNE1):c.8888C>A (p.Ala2963Asp)

Genes: SYNE1 (spectrin repeat containing nuclear envelope protein 1; minus strand), SYNE1-AS1 (SYNE1 antisense RNA 1; plus strand). Cytogenetic location: 6q25.2.
Variant type: single nucleotide variant.
Coding change: c.8888C>A on transcript NM_182961.4 (MANE Select); coding-DNA position 8888, C replaced by A.
Protein change: p.Ala2963Asp; replaces alanine 2963 with aspartic acid.
Molecular consequence: missense variant. On other transcripts: non-coding transcript variant (1).
Genome position (GRCh38, 1-based): chr6:152,381,127, G>T on the plus strand (C>A on the coding strand, the complement: SYNE1 is on the minus strand). VCF-style: chr6-152381127-G-T. GRCh37 (hg19) VCF-style: chr6-152702262-G-T.
Other names: c.8909C>A, p.Ala2970Asp (NM_033071.5); short protein forms A2963D, A2970D.
Identifiers: ClinVar variation 471058 (VCV000471058.9), dbSNP rs570962334, ClinGen allele CA4057440.